The following is an entry in ClinVar:

ClinVar aggregate classification (germline): Likely pathogenic (1 of 4 stars; one submission).

Submission:

CeGaT Center for Human Genetics Tuebingen
Classification: Likely pathogenic. Last evaluated: 2026-08-01. Review status: criteria provided, single submitter. Criteria: CeGaT Center For Human Genetics Tuebingen Variant Classification Criteria Version 2. Collection method: clinical testing. Allele origin: germline. Affected: yes. Observed: 1 variant allele.
Comment: SUPT16H: PVS1:Strong, PM2

NM_007192.4(SUPT16H):c.450G>A (p.Trp150Ter)

Gene: SUPT16H (SPT16 homolog, facilitates chromatin remodeling subunit; minus strand). Cytogenetic location: 14q11.2.
Variant type: single nucleotide variant.
Coding change: c.450G>A on transcript NM_007192.4 (MANE Select); coding-DNA position 450, G replaced by A.
Protein change: p.Trp150Ter; replaces tryptophan 150 with a stop codon.
Molecular consequence: nonsense.
Genome position (GRCh38, 1-based): chr14:21,370,369, C>T on the plus strand (G>A on the coding strand, the complement: SUPT16H is on the minus strand). VCF-style: chr14-21370369-C-T. GRCh37 (hg19) VCF-style: chr14-21838528-C-T.
Other names: short protein forms W150*.
Identifiers: ClinVar variation 5040380 (VCV005040380.1).